The following is an entry in ClinVar:

NM_005909.5(MAP1B):c.4940T>C (p.Ile1647Thr)

Gene: MAP1B (microtubule associated protein 1B; plus strand). Cytogenetic location: 5q13.2.
Variant type: single nucleotide variant.
Coding change: c.4940T>C on transcript NM_005909.5 (MANE Select); coding-DNA position 4940, T replaced by C.
Protein change: p.Ile1647Thr; replaces isoleucine 1647 with threonine.
Molecular consequence: missense variant.
Genome position (GRCh38, 1-based): chr5:72,198,295, T>C. VCF-style: chr5-72198295-T-C. GRCh37 (hg19) VCF-style: chr5-71494122-T-C.
Other names: c.4562T>C, p.Ile1521Thr (NM_001324255.2); short protein forms I1521T, I1647T.
Identifiers: ClinVar variation 4822938 (VCV004822938.4).
Genomic context (GRCh38, chr5:72,198,295, plus strand): 5'-AAACTGCAAAGTCCAGGACACCCGTTCAAGATCACAGATCTGAACAGTCCTCAATGTCTA[T>C]TGAATTTGGCCAAGAATCTCCTGAGCAATCCCTTGCTATGGACTTCAGTCGACAGTCTCC-3'
Protein context (NP_005900.2, residues 1637-1657): DHRSEQSSMS[Ile1647Thr]EFGQESPEQS

ClinVar aggregate classification (germline): Uncertain significance (1 of 4 stars; one submission).

gnomAD v4.1: 2 of 1,614,206 alleles (0.00012%); highest among the groups gnomAD compares: Non-Finnish European, 0.00017%; no homozygotes.

Submission:

CeGaT Center for Human Genetics Tuebingen
Classification: Uncertain significance. Last evaluated: 2026-01-01. Review status: criteria provided, single submitter. Criteria: CeGaT Center For Human Genetics Tuebingen Variant Classification Criteria Version 2. Collection method: clinical testing. Allele origin: germline. Affected: yes. Observed: 1 variant allele.
Comment: MAP1B: PM2, BP4